The following is an entry in ClinVar:

ClinVar aggregate classification (germline): Likely benign (1 of 4 stars; one submission).

Allele frequency attached by ClinVar (database versions not stated): 1000 Genomes Project 0.00060.

Submission:

CeGaT Center for Human Genetics Tuebingen
Classification: Likely benign. Last evaluated: 2023-11-01. Review status: criteria provided, single submitter. Criteria: CeGaT Center For Human Genetics Tuebingen Variant Classification Criteria Version 2. Collection method: clinical testing. Allele origin: germline. Affected: yes. Observed: 1 variant allele.
Comment: NBPF10: BP4

NM_001302371.3(NBPF10):c.4487C>G (p.Pro1496Arg)

Gene: NBPF10 (NBPF member 10; minus strand). Cytogenetic location: 1q21.1.
Variant type: single nucleotide variant.
Coding change: c.4487C>G on transcript NM_001302371.3 (MANE Select); coding-DNA position 4487, C replaced by G.
Protein change: p.Pro1496Arg; replaces proline 1496 with arginine.
Molecular consequence: missense variant.
Genome position (GRCh38, 1-based): chr1:146,109,763, G>C on the plus strand (C>G on the coding strand, the complement: NBPF10 is on the minus strand). VCF-style: chr1-146109763-G-C. GRCh37 (hg19) VCF-style: chr1-145328420-C-G.
Other names: c.4487C>G, p.Pro1496Arg (NM_001039703.6); short protein forms P1496R.
Identifiers: ClinVar variation 2672344 (VCV002672344.23), dbSNP rs587622326, ClinGen allele CA1052474.